The following is an entry in ClinVar:

NM_000158.4(GBE1):c.1680C>G (p.Tyr560Ter)

Gene: GBE1 (1,4-alpha-glucan branching enzyme 1; minus strand). Cytogenetic location: 3p12.2.
Variant type: single nucleotide variant.
Coding change: c.1680C>G on transcript NM_000158.4 (MANE Select); coding-DNA position 1680, C replaced by G.
Protein change: p.Tyr560Ter; replaces tyrosine 560 with a stop codon.
Molecular consequence: nonsense.
Genome position (GRCh38, 1-based): chr3:81,537,034, G>C on the plus strand (C>G on the coding strand, the complement: GBE1 is on the minus strand). VCF-style: chr3-81537034-G-C. GRCh37 (hg19) VCF-style: chr3-81586185-G-C.
Other names: c.1680C>G (NM_000158.3); short protein forms Y560*.
Identifiers: ClinVar variation 2929113 (VCV002929113.5), dbSNP rs1559637815, ClinGen allele CA353686557.
Genomic context (GRCh38, chr3:81,537,034, plus strand): 5'-TAGGAACTTGTAGCGAAGAAGGTCGTCGTCAGTTAAATGAAACTGCCGCCTGGCATAATG[G>C]TAACTCTCATTATTTCCTTTTCTTGGGAAGTCTAACCATTCAGGATGCCCAAATTCATTA-3'

ClinVar aggregate classification (germline): Pathogenic. Review status: criteria provided, multiple submitters, no conflicts (2 of 4 stars). 3 submissions from 3 submitters: Pathogenic (3). Last evaluated 2026-01-27.

Conditions:
Glycogen storage disease IV, classic hepatic. Also called: GSD IV, CLASSIC HEPATIC. Identifiers: MedGen C1856301.
Glycogen storage disease, type IV (GSD4). Also called: Glycogen storage disease due to glycogen branching enzyme deficiency; AMYLOPECTINOSIS; ANDERSEN DISEASE; BRANCHER DEFICIENCY; CIRRHOSIS, FAMILIAL, WITH DEPOSITION OF ABNORMAL GLYCOGEN; GBE1 DEFICIENCY. Identifiers: Orphanet 367, MedGen C0017923, MONDO:0009292, OMIM 232500.
Adult polyglucosan body disease (APBN). Also called: POLYGLUCOSAN BODY DISEASE, ADULT FORM; GBE1-Adult Polyglucosan Body Disease. Identifiers: Orphanet 206583, MedGen C1849722, MONDO:0009897, OMIM 263570.

Allele frequency attached by ClinVar (database versions not stated): gnomAD exomes below 0.00001.
gnomAD v4.1: 1 of 1,582,766 alleles (0.000063%); highest among the groups gnomAD compares: South Asian, 0.0012%; no homozygotes.

Submissions (3):

Labcorp Genetics (formerly Invitae), Labcorp
Classification: Pathogenic for Glycogen storage disease, type IV; Glycogen storage disease IV, classic hepatic. Last evaluated: 2026-01-27. Review status: criteria provided, single submitter. Criteria: Invitae Variant Classification Sherloc (09022015). Collection method: clinical testing. Allele origin: germline.
Comment: This sequence change creates a premature translational stop signal (p.Tyr560*) in the GBE1 gene. It is expected to result in an absent or disrupted protein product. Loss-of-function variants in GBE1 are known to be pathogenic (PMID: 15452297, 20058079). This variant is not present in population databases (gnomAD no frequency). This premature translational stop signal has been observed in individual(s) with glycogen storage disease (PMID: 30303820). ClinVar contains an entry for this variant (Variation ID: 2929113). For these reasons, this variant has been classified as Pathogenic.

GeneDx
Classification: Pathogenic. Last evaluated: 2024-10-21. Review status: criteria provided, single submitter. Criteria: GeneDx Variant Classification Process June 2021. Collection method: clinical testing. Allele origin: germline. Affected: yes.
Comment: Nonsense variant predicted to result in protein truncation or nonsense mediated decay in a gene for which loss of function is a known mechanism of disease; Not observed at significant frequency in large population cohorts (gnomAD); This variant is associated with the following publications: (PMID: 30303820)

Fulgent Genetics
Classification: Pathogenic for Glycogen storage disease, type IV; Adult polyglucosan body disease. Last evaluated: 2024-03-13. Review status: criteria provided, single submitter. Criteria: ACMG Guidelines, 2015. Collection method: clinical testing. Allele origin: germline.

Literature cited by the submitters: PubMed 15452297 (cited by Labcorp Genetics (formerly Invitae), Labcorp); PubMed 20058079 (cited by Labcorp Genetics (formerly Invitae), Labcorp); PubMed 30303820 (cited by Labcorp Genetics (formerly Invitae), Labcorp).